The following is an entry in ClinVar:

NM_001287491.2(TET3):c.1743G>T (p.Lys581Asn)

Gene: TET3 (tet methylcytosine dioxygenase 3; plus strand). Cytogenetic location: 2p13.1.
Variant type: single nucleotide variant.
Coding change: c.1743G>T on transcript NM_001287491.2 (MANE Select); coding-DNA position 1743, G replaced by T.
Protein change: p.Lys581Asn; replaces lysine 581 with asparagine.
Molecular consequence: missense variant.
Genome position (GRCh38, 1-based): chr2:74,047,660, G>T. VCF-style: chr2-74047660-G-T. GRCh37 (hg19) VCF-style: chr2-74274787-G-T.
Other names: c.1464G>T, p.Lys488Asn (NM_001366022.1); c.1338G>T, p.Lys446Asn (NM_144993.1); short protein forms K446N, K488N, K581N.
Identifiers: ClinVar variation 1803709 (VCV001803709.3), dbSNP rs2467439751, ClinGen allele CA347328679.
Genomic context (GRCh38, chr2:74,047,660, plus strand): 5'-CCCACCAAGTTCACCTGTCCCACGGCTTCCAGACAGACCACCCAAGGAGAAGAAGAAGAA[G>T]CTCCCAACACCAGCTGGAGGTCCCGTGGGAACGGAGAAAGCTGCCCCTGGGATCAAGCCC-3'
Protein context (NP_001274420.1, residues 571-591): PDRPPKEKKK[Lys581Asn]LPTPAGGPVG

ClinVar aggregate classification (germline): Uncertain significance (1 of 4 stars; one submission).

Conditions:
Beck-Fahrner syndrome (BEFAHRS). Identifiers: Orphanet 684216, MedGen C5394097, MONDO:0032922, OMIM 618798.

Submission:

Illumina Laboratory Services, Illumina
Classification: Uncertain significance for Beck-Fahrner syndrome. Last evaluated: 2022-04-25. Review status: criteria provided, single submitter. Criteria: ICSLVariantClassificationCriteria RUGD 01 April 2020. Collection method: clinical testing. Allele origin: unknown.
Comment: The TET3 c.1743G>T (p.Lys581Asn) missense variant results in the substitution of lysine at amino acid position 581 with asparagine. To our knowledge, this variant has not been reported in the peer-reviewed literature. This variant is not found in version 2.1.1 or version 3.1.2 of the Genome Aggregation Database. Based on the available evidence, the c.1743G>T (p.Lys581Asn) variant is classified as a variant of uncertain significance for Beck-Fahrner syndrome.